The following is an entry in ClinVar:

ClinVar aggregate classification (germline): Uncertain significance (1 of 4 stars; one submission).

Conditions:
Mitochondrial complex V (ATP synthase) deficiency, nuclear type 2. Also called: Nuclear-Encoded ATPase Deficiency, TMEM70-Related; ENCEPHALOCARDIOMYOPATHY, MITOCHONDRIAL, NEONATAL, DUE TO ATP SYNTHASE DEFICIENCY; MITOCHONDRIAL COMPLEX V (ATP SYNTHASE) DEFICIENCY, TMEM70 TYPE. Identifiers: Orphanet 1194, MedGen C3279699, MONDO:0013546, OMIM 614052.

Allele frequency attached by ClinVar (database versions not stated): TOPMed below 0.00001; gnomAD exomes below 0.00001.

Submission:

Labcorp Genetics (formerly Invitae), Labcorp
Classification: Uncertain significance for Mitochondrial complex V (ATP synthase) deficiency, nuclear type 2. Last evaluated: 2024-04-15. Review status: criteria provided, single submitter. Criteria: Invitae Variant Classification Sherloc (09022015). Collection method: clinical testing. Allele origin: germline.
Comment: This sequence change replaces valine, which is neutral and non-polar, with alanine, which is neutral and non-polar, at codon 136 of the TMEM70 protein (p.Val136Ala). This variant is present in population databases (no rsID available, gnomAD 0.007%). This variant has not been reported in the literature in individuals affected with TMEM70-related conditions. ClinVar contains an entry for this variant (Variation ID: 1517133). An algorithm developed to predict the effect of missense changes on protein structure and function (PolyPhen-2) suggests that this variant¬†is likely to be tolerated. In summary, the available evidence is currently insufficient to determine the role of this variant in disease. Therefore, it has been classified as a Variant of Uncertain Significance.

NM_017866.6(TMEM70):c.407T>C (p.Val136Ala)

Gene: TMEM70 (transmembrane protein 70; plus strand). Cytogenetic location: 8q21.11.
Variant type: single nucleotide variant.
Coding change: c.407T>C on transcript NM_017866.6 (MANE Select); coding-DNA position 407, T replaced by C.
Protein change: p.Val136Ala; replaces valine 136 with alanine.
Molecular consequence: missense variant. On other transcripts: 3 prime UTR variant (1), non-coding transcript variant (1).
Genome position (GRCh38, 1-based): chr8:73,981,245, T>C. VCF-style: chr8-73981245-T-C. GRCh37 (hg19) VCF-style: chr8-74893480-T-C.
Other names: c.*97T>C (NM_001040613.3); short protein forms V136A.
Identifiers: ClinVar variation 1517133 (VCV001517133.7), dbSNP rs1171318510, ClinGen allele CA371489926.